The following is an entry in ClinVar:

ClinVar aggregate classification (germline): Uncertain significance (1 of 4 stars; one submission).

Conditions:
Nephronophthisis. Also called: Juvenile Nephronophthisis. Identifiers: Orphanet 655, MedGen C0687120, MONDO:0019005, HP:0000090.
Jeune thoracic dystrophy. Also called: Jeune syndrome; Infantile thoracic dystrophy; Thoracic pelvic phalangeal dystrophy; Jeune's syndrome; Chondroectodermal dysplasia-like syndrome; Short-rib thoracic dysplasia. Identifiers: Orphanet 474, MedGen C0265275, MONDO:0018770.

Submission:

Labcorp Genetics (formerly Invitae), Labcorp
Classification: Uncertain significance for Jeune thoracic dystrophy; Nephronophthisis. Last evaluated: 2021-07-25. Review status: criteria provided, single submitter. Criteria: Invitae Variant Classification Sherloc (09022015). Collection method: clinical testing. Allele origin: germline.
Comment: In summary, the available evidence is currently insufficient to determine the role of this variant in disease. Therefore, it has been classified as a Variant of Uncertain Significance. Algorithms developed to predict the effect of missense changes on protein structure and function output the following: SIFT: "Tolerated"; PolyPhen-2: "Benign"; Align-GVGD: "Class C0". The valine amino acid residue is found in multiple mammalian species, which suggests that this missense change does not adversely affect protein function. This variant has not been reported in the literature in individuals affected with TTC21B-related conditions. This variant is not present in population databases (ExAC no frequency). This sequence change replaces isoleucine with valine at codon 676 of the TTC21B protein (p.Ile676Val). The isoleucine residue is weakly conserved and there is a small physicochemical difference between isoleucine and valine.

NM_024753.5(TTC21B):c.2026A>G (p.Ile676Val)

Gene: TTC21B (tetratricopeptide repeat domain 21B; minus strand). Cytogenetic location: 2q24.3.
Variant type: single nucleotide variant.
Coding change: c.2026A>G on transcript NM_024753.5 (MANE Select); coding-DNA position 2026, A replaced by G.
Protein change: p.Ile676Val; replaces isoleucine 676 with valine.
Molecular consequence: missense variant.
Genome position (GRCh38, 1-based): chr2:165,915,313, T>C on the plus strand (A>G on the coding strand, the complement: TTC21B is on the minus strand). VCF-style: chr2-165915313-T-C. GRCh37 (hg19) VCF-style: chr2-166771823-T-C.
Other names: short protein forms I676V.
Identifiers: ClinVar variation 1507513 (VCV001507513.6), dbSNP rs2105324144, ClinGen allele CA349058789.
Genomic context (GRCh38, chr2:165,915,313, plus strand): 5'-CTGCCATTTTTTCTCTGGCCTCTATAAAATAAGGCTGTTCGGCTGTAACATTCTGAAGGA[T>C]GCTTAAAGCCCGTTCAATATCTCCTTGGGCTAGAGCAAGGTCTGCATTAGCAATGGTAAC-3'
Protein context (NP_079029.3, residues 666-686): AQGDIERALS[Ile676Val]LQNVTAEQPY